The following is an entry in ClinVar:

NM_000245.4(MET):c.3217C>T (p.Pro1073Ser)

Gene: MET (MET proto-oncogene, receptor tyrosine kinase; plus strand). Cytogenetic location: 7q31.2.
Variant type: single nucleotide variant.
Coding change: c.3217C>T on transcript NM_000245.4 (MANE Select); coding-DNA position 3217, C replaced by T.
Protein change: p.Pro1073Ser; replaces proline 1073 with serine.
Molecular consequence: missense variant.
Genome position (GRCh38, 1-based): chr7:116,775,069, C>T. VCF-style: chr7-116775069-C-T. GRCh37 (hg19) VCF-style: chr7-116415123-C-T.
Other names: c.3271C>T, p.Pro1091Ser (LRG_662t1, NM_001127500.3); c.1927C>T, p.Pro643Ser (NM_001324402.2); short protein forms P1091S, P1073S, P643S.
Identifiers: ClinVar variation 93572 (VCV000093572.26), dbSNP rs398123569, ClinGen allele CA221503.

ClinVar aggregate classification (germline): Conflicting classifications of pathogenicity. Review status: criteria provided, conflicting classifications (1 of 4 stars). 4 submissions from 4 submitters: Uncertain significance (2); Likely benign (2). Last evaluated 2026-01-20.

Conditions:
Renal cell carcinoma. Identifiers: Orphanet 217071, MedGen C0007134, MeSH D002292, MONDO:0005086, HP:0005584.
Hereditary cancer-predisposing syndrome. Also called: Tumor predisposition; Neoplastic Syndromes, Hereditary; Hereditary neoplastic syndrome; Hereditary Cancer Syndrome. Identifiers: Orphanet 140162, MedGen C0027672, MeSH D009386, MONDO:0015356.

Allele frequency attached by ClinVar (database versions not stated): ExAC 0.00030; 1000 Genomes Project 30x 0.00062; TOPMed below 0.00001; gnomAD 0.00001 and 0.00005; gnomAD exomes 0.00009 and 0.00026; 1000 Genomes Project 0.00040.
gnomAD v4.1: 150 of 1,614,154 alleles (0.0093%); highest among the groups gnomAD compares: South Asian, 0.14%; 1 homozygote.

Submissions (4):

Labcorp Genetics (formerly Invitae), Labcorp
Classification: Likely benign for Renal cell carcinoma. Last evaluated: 2026-01-20. Review status: criteria provided, single submitter. Criteria: Invitae Variant Classification Sherloc (09022015). Collection method: clinical testing. Allele origin: germline.

GeneDx
Classification: Uncertain significance. Last evaluated: 2025-01-21. Review status: criteria provided, single submitter. Criteria: GeneDx Variant Classification Process June 2021. Collection method: clinical testing. Allele origin: germline. Affected: yes.
Comment: In silico analysis supports that this missense variant has a deleterious effect on protein structure/function; Has not been previously published as pathogenic or benign to our knowledge

Ambry Genetics
Classification: Likely benign for Hereditary cancer-predisposing syndrome. Last evaluated: 2023-03-29. Review status: criteria provided, single submitter. Criteria: Ambry Variant Classification Scheme 2023. Collection method: clinical testing. Allele origin: germline.

Eurofins Ntd Llc (ga)
Classification: Uncertain significance. Last evaluated: 2013-04-30. Review status: criteria provided, single submitter. Criteria: EGL Classification Definitions 2015. Collection method: clinical testing. Allele origin: germline. Observed: 2 variant alleles, 2 heterozygotes.